The following is an entry in ClinVar:

ClinVar aggregate classification (germline): Uncertain significance. Review status: criteria provided, multiple submitters, no conflicts (2 of 4 stars). 2 submissions from 2 submitters: Uncertain significance (2). Last evaluated 2024-03-01.

Allele frequency attached by ClinVar (database versions not stated): TOPMed 0.00001; gnomAD exomes below 0.00001 and 0.00001; ExAC 0.00001; gnomAD 0.00001.
gnomAD v4.1: 12 of 1,614,064 alleles (0.00074%); highest among the groups gnomAD compares: East Asian, 0.0022%; no homozygotes.

Submissions (2):

CeGaT Center for Human Genetics Tuebingen
Classification: Uncertain significance. Last evaluated: 2024-03-01. Review status: criteria provided, single submitter. Criteria: CeGaT Center For Human Genetics Tuebingen Variant Classification Criteria Version 2. Collection method: clinical testing. Allele origin: germline. Affected: yes. Observed: 1 variant allele.
Comment: ASH1L: PM2:Supporting

GeneDx
Classification: Uncertain significance. Last evaluated: 2019-12-18. Review status: criteria provided, single submitter. Criteria: GeneDx Variant Classification Process June 2021. Collection method: clinical testing. Allele origin: germline. Affected: yes.
Comment: In silico analysis, which includes protein predictors and evolutionary conservation, supports that this variant does not alter protein structure/function; This variant is associated with the following publications: (PMID: 30564305)

NM_018489.3(ASH1L):c.5270G>A (p.Arg1757Gln)

Gene: ASH1L (ASH1 like histone lysine methyltransferase; minus strand). Cytogenetic location: 1q22.
Variant type: single nucleotide variant.
Coding change: c.5270G>A on transcript NM_018489.3 (MANE Select); coding-DNA position 5270, G replaced by A.
Protein change: p.Arg1757Gln; replaces arginine 1757 with glutamine.
Molecular consequence: missense variant.
Genome position (GRCh38, 1-based): chr1:155,438,885, C>T on the plus strand (G>A on the coding strand, the complement: ASH1L is on the minus strand). VCF-style: chr1-155438885-C-T. GRCh37 (hg19) VCF-style: chr1-155408676-C-T.
Other names: c.5270G>A, p.Arg1757Gln (NM_001366177.2); short protein forms R1757Q.
Identifiers: ClinVar variation 1315663 (VCV001315663.23), dbSNP rs763867508, ClinGen allele CA1146783.